The following is an entry in ClinVar:

Conditions:
Long QT syndrome 5 (LQT5). Identifiers: Orphanet 101016, Orphanet 768, MedGen C1867904, MONDO:0013372, OMIM 613695.

Submission:

Roden Lab, Vanderbilt University Medical Center
No classification provided (evidence only). Condition: Long QT syndrome 5. Review status: no classification provided. Collection method: in vitro. Allele origin: not applicable. Functional consequence: Effect on ion channel function.
ClinVar note: "not provided" was previously submitted as the classification for the variant. However, the classification appeared to be based only on an observation of functional data so it was converted to no classification on 2025-07-30.

NM_000219.6(KCNE1):c.169T>G (p.Phe57Val)

Gene: KCNE1 (potassium voltage-gated channel subfamily E regulatory subunit 1; minus strand). Cytogenetic location: 21q22.12.
Variant type: single nucleotide variant.
Coding change: c.169T>G on transcript NM_000219.6 (MANE Select); coding-DNA position 169, T replaced by G.
Protein change: p.Phe57Val; replaces phenylalanine 57 with valine.
Molecular consequence: missense variant.
Genome position (GRCh38, 1-based): chr21:34,449,466, A>C on the plus strand (T>G on the coding strand, the complement: KCNE1 is on the minus strand). VCF-style: chr21-34449466-A-C. GRCh37 (hg19) VCF-style: chr21-35821764-A-C.
Other names: c.169T>G, p.Phe57Val (NM_001127668.4, NM_001127669.4, NM_001127670.4 and 4 more transcripts); short protein forms F57V.
Identifiers: ClinVar variation 3374232 (VCV003374232.2).